The following is an entry in ClinVar:

ClinVar aggregate classification (germline): Uncertain significance. Review status: criteria provided, multiple submitters, no conflicts (2 of 4 stars). 2 submissions from 2 submitters: Uncertain significance (2). Last evaluated 2021-04-22.

Allele frequency attached by ClinVar (database versions not stated): gnomAD exomes below 0.00001; TOPMed 0.00001.
gnomAD v4.1: 3 of 1,613,518 alleles (0.00019%); highest among the groups gnomAD compares: African/African-American, 0.0013%; no homozygotes.

Submissions (2):

Labcorp Genetics (formerly Invitae), Labcorp
Classification: Uncertain significance. Last evaluated: 2021-04-22. Review status: criteria provided, single submitter. Criteria: Invitae Variant Classification Sherloc (09022015). Collection method: clinical testing. Allele origin: germline.
Comment: In summary, the available evidence is currently insufficient to determine the role of this variant in disease. Therefore, it has been classified as a Variant of Uncertain Significance. Algorithms developed to predict the effect of missense changes on protein structure and function (SIFT, PolyPhen-2, Align-GVGD) all suggest that this variant is likely to be disruptive, but these predictions have not been confirmed by published functional studies and their clinical significance is uncertain. This variant has not been reported in the literature in individuals with ARHGEF18-related conditions. This variant is not present in population databases (ExAC no frequency). This sequence change replaces leucine with valine at codon 445 of the ARHGEF18 protein (p.Leu445Val). The leucine residue is highly conserved and there is a small physicochemical difference between leucine and valine.

Blueprint Genetics
Classification: Uncertain significance. Last evaluated: 2019-06-19. Review status: criteria provided, single submitter. Criteria: ACMG Guidelines, 2015. Collection method: clinical testing. Allele origin: germline.

NM_001367823.1(ARHGEF18):c.1897C>G (p.Leu633Val)

Gene: ARHGEF18 (Rho/Rac guanine nucleotide exchange factor 18; plus strand). Cytogenetic location: 19p13.2.
Variant type: single nucleotide variant.
Coding change: c.1897C>G on transcript NM_001367823.1 (MANE Select); coding-DNA position 1897, C replaced by G.
Protein change: p.Leu633Val; replaces leucine 633 with valine.
Molecular consequence: missense variant.
Genome position (GRCh38, 1-based): chr19:7,453,508, C>G. VCF-style: chr19-7453508-C-G. GRCh37 (hg19) VCF-style: chr19-7518394-C-G.
Other names: c.1171C>G, p.Leu391Val (NM_001130955.2); c.859C>G, p.Leu287Val (NM_001367824.1, NM_015318.4); short protein forms L633V, L391V, L287V.
Identifiers: ClinVar variation 1347393 (VCV001347393.9), dbSNP rs1462992712, ClinGen allele CA403111758.